The following is an entry in ClinVar:

ClinVar aggregate classification (germline): Uncertain significance (1 of 4 stars; one submission).

Allele frequency attached by ClinVar (database versions not stated): gnomAD exomes 0.00001; TOPMed 0.00001.
gnomAD v4.1: 14 of 1,614,066 alleles (0.00087%); highest among the groups gnomAD compares: East Asian, 0.0022%; no homozygotes.

Submission:

Labcorp Genetics (formerly Invitae), Labcorp
Classification: Uncertain significance. Last evaluated: 2023-09-12. Review status: criteria provided, single submitter. Criteria: Invitae Variant Classification Sherloc (09022015). Collection method: clinical testing. Allele origin: germline.
Comment: This variant is present in population databases (no rsID available, gnomAD 0.003%). This variant has not been reported in the literature in individuals affected with CYFIP2-related conditions. Experimental studies and prediction algorithms are not available or were not evaluated, and the functional significance of this variant is currently unknown. In summary, the available evidence is currently insufficient to determine the role of this variant in disease. Therefore, it has been classified as a Variant of Uncertain Significance. This sequence change replaces alanine, which is neutral and non-polar, with threonine, which is neutral and polar, at codon 487 of the CYFIP2 protein (p.Ala487Thr).

NM_001037333.3(CYFIP2):c.1459G>A (p.Ala487Thr)

Gene: CYFIP2 (cytoplasmic FMR1 interacting protein 2; plus strand). Cytogenetic location: 5q33.3.
Variant type: single nucleotide variant.
Coding change: c.1459G>A on transcript NM_001037333.3 (MANE Select); coding-DNA position 1459, G replaced by A.
Protein change: p.Ala487Thr; replaces alanine 487 with threonine.
Molecular consequence: missense variant.
Genome position (GRCh38, 1-based): chr5:157,319,864, G>A. VCF-style: chr5-157319864-G-A. GRCh37 (hg19) VCF-style: chr5-156746872-G-A.
Other names: c.1381G>A, p.Ala461Thr (NM_001291721.2); c.1459G>A, p.Ala487Thr (NM_001291722.2, NM_014376.4); short protein forms A487T, A461T.
Identifiers: ClinVar variation 2781809 (VCV002781809.3), dbSNP rs1239470942, ClinGen allele CA361969015.